The following is an entry in ClinVar:

NM_139343.3(BIN1):c.1240-21C>T

Gene: BIN1 (bridging integrator 1; minus strand). Cytogenetic location: 2q14.3.
Variant type: single nucleotide variant.
Coding change: c.1240-21C>T on transcript NM_139343.3 (MANE Select); 21 bases into the intron before coding-DNA position 1240, C replaced by T.
Molecular consequence: intron variant.
Genome position (GRCh38, 1-based): chr2:127,053,466, G>A on the plus strand (C>T on the coding strand, the complement: BIN1 is on the minus strand). VCF-style: chr2-127053466-G-A. GRCh37 (hg19) VCF-style: chr2-127811042-G-A.
Other names: c.1159-21C>T (NM_001320642.1); c.838-2554C>T (NM_001320634.1); c.910-2554C>T (NM_139351.3); c.910-2223C>T (NM_139350.3); c.910-1104C>T (NM_139349.3); c.1039-2223C>T (NM_139348.3); c.1039-1104C>T (NM_139347.3); c.1147-21C>T (NM_001320641.2); and 7 more.
Identifiers: ClinVar variation 678266 (VCV000678266.2), dbSNP rs76414720, ClinGen allele CA1857147.

ClinVar aggregate classification (germline): Benign. Review status: criteria provided, multiple submitters, no conflicts (2 of 4 stars). 2 submissions from 2 submitters: Benign (2). Last evaluated 2018-06-18.

Allele frequency attached by ClinVar (database versions not stated): gnomAD exomes 0.11998 and 0.12943; ExAC 0.12771; 1000 Genomes Project 0.13239; 1000 Genomes Project 30x 0.13304; TOPMed 0.13374; gnomAD 0.13539 and 0.13601; ESP Exome Variant Server 0.14547.
gnomAD v4.1: 209,719 of 1,612,524 alleles (13%); highest among the groups gnomAD compares: South Asian, 20%; 14,644 homozygotes.

Submissions (2):

GeneDx
Classification: Benign. Last evaluated: 2018-06-18. Review status: criteria provided, single submitter. Criteria: GeneDx Variant Classification (06012015). Collection method: clinical testing. Allele origin: germline. Affected: yes.
Comment: This variant is considered likely benign or benign based on one or more of the following criteria: it is a conservative change, it occurs at a poorly conserved position in the protein, it is predicted to be benign by multiple in silico algorithms, and/or has population frequency not consistent with disease.

Breakthrough Genomics
Classification: Benign. Review status: criteria provided, single submitter. Criteria: ACMG Guidelines, 2015. Collection method: not provided. Allele origin: germline. Inheritance: Autosomal recessive inheritance. Affected: yes.